The following is an entry in ClinVar:

ClinVar aggregate classification (germline): Likely pathogenic. Review status: criteria provided, multiple submitters, no conflicts (2 of 4 stars). 2 submissions from 2 submitters: Likely pathogenic (2). Last evaluated 2024-06-20.

Conditions:
CNGB1-related disorder. Also called: CNGB1-related condition.

gnomAD v4.1: 7 of 1,526,244 alleles (0.00046%); highest among the groups gnomAD compares: Non-Finnish European, 0.00062%; no homozygotes.

Submissions (2):

Labcorp Genetics (formerly Invitae), Labcorp
Classification: Likely pathogenic. Last evaluated: 2024-06-20. Review status: criteria provided, single submitter. Criteria: Invitae Variant Classification Sherloc (09022015). Collection method: clinical testing. Allele origin: germline.
Comment: This sequence change affects a donor splice site in intron 10 of the CNGB1 gene. It is expected to disrupt RNA splicing. Variants that disrupt the donor or acceptor splice site typically lead to a loss of protein function (PMID: 16199547), and loss-of-function variants in CNGB1 are known to be pathogenic (PMID: 15557452, 24043777). This variant is not present in population databases (gnomAD no frequency). Disruption of this splice site has been observed in individual(s) with retinitis pigmentosa (Invitae). Algorithms developed to predict the effect of sequence changes on RNA splicing suggest that this variant may disrupt the consensus splice site. In summary, the currently available evidence indicates that the variant is pathogenic, but additional data are needed to prove that conclusively. Therefore, this variant has been classified as Likely Pathogenic.

Blueprint Genetics
Classification: Likely pathogenic for CNGB1-related disorders. Last evaluated: 2022-09-19. Review status: criteria provided, single submitter. Criteria: ACMG Guidelines, 2015. Collection method: clinical testing. Allele origin: germline. Affected: yes. Observed: 1 variant allele.

Literature cited by the submitters: PubMed 16199547 (cited by Labcorp Genetics (formerly Invitae), Labcorp); PubMed 15557452 (cited by Labcorp Genetics (formerly Invitae), Labcorp); PubMed 24043777 (cited by Labcorp Genetics (formerly Invitae), Labcorp).

NM_001297.5(CNGB1):c.761+1G>C

Gene: CNGB1 (cyclic nucleotide gated channel subunit beta 1; minus strand). Cytogenetic location: 16q21.
Variant type: single nucleotide variant.
Coding change: c.761+1G>C on transcript NM_001297.5 (MANE Select); the canonical splice donor site of the intron after coding-DNA position 761, G replaced by C.
Molecular consequence: splice donor variant.
Genome position (GRCh38, 1-based): chr16:57,959,887, C>G on the plus strand (G>C on the coding strand, the complement: CNGB1 is on the minus strand). VCF-style: chr16-57959887-C-G. GRCh37 (hg19) VCF-style: chr16-57993791-C-G.
Other names: c.743+1G>C (NM_001286130.2); c.761+1G>C (NM_001135639.2).
Identifiers: ClinVar variation 3682186 (VCV003682186.3).